The following is an entry in ClinVar:

ClinVar aggregate classification (germline): Uncertain significance (1 of 4 stars; one submission).

Submission:

Labcorp Genetics (formerly Invitae), Labcorp
Classification: Uncertain significance. Last evaluated: 2022-11-28. Review status: criteria provided, single submitter. Criteria: Invitae Variant Classification Sherloc (09022015). Collection method: clinical testing. Allele origin: germline.
Comment: This sequence change replaces valine, which is neutral and non-polar, with leucine, which is neutral and non-polar, at codon 334 of the JAK1 protein (p.Val334Leu). This variant is not present in population databases (gnomAD no frequency). This variant has not been reported in the literature in individuals affected with JAK1-related conditions. Advanced modeling of protein sequence and biophysical properties (such as structural, functional, and spatial information, amino acid conservation, physicochemical variation, residue mobility, and thermodynamic stability) performed at Invitae indicates that this missense variant is not expected to disrupt JAK1 protein function. In summary, the available evidence is currently insufficient to determine the role of this variant in disease. Therefore, it has been classified as a Variant of Uncertain Significance.

NM_002227.4(JAK1):c.1000G>C (p.Val334Leu)

Gene: JAK1 (Janus kinase 1; minus strand). Cytogenetic location: 1p31.3.
Variant type: single nucleotide variant.
Coding change: c.1000G>C on transcript NM_002227.4 (MANE Select); coding-DNA position 1000, G replaced by C.
Protein change: p.Val334Leu; replaces valine 334 with leucine.
Molecular consequence: missense variant.
Genome position (GRCh38, 1-based): chr1:64,864,963, C>G on the plus strand (G>C on the coding strand, the complement: JAK1 is on the minus strand). VCF-style: chr1-64864963-C-G. GRCh37 (hg19) VCF-style: chr1-65330646-C-G.
Other names: c.1000G>C, p.Val334Leu (NM_001320923.2, NM_001321852.2, NM_001321853.2 and 4 more transcripts); short protein forms V334L.
Identifiers: ClinVar variation 2816972 (VCV002816972.3), dbSNP rs2524239743, ClinGen allele CA340674213.